The following is an entry in ClinVar:

ClinVar aggregate classification (germline): Benign/Likely benign. Review status: criteria provided, multiple submitters, no conflicts (2 of 4 stars). 2 submissions from 2 submitters: Benign (1); Likely benign (1). Last evaluated 2026-01-14.

Allele frequency attached by ClinVar (database versions not stated): ESP Exome Variant Server 0.00185; 1000 Genomes Project 0.00200; gnomAD 0.00235 and 0.00240; gnomAD exomes 0.00237 and 0.00317; ExAC 0.00304; TOPMed 0.00104; 1000 Genomes Project 30x 0.00172.
gnomAD v4.1: 3,822 of 1,614,024 alleles (0.24%); highest among the groups gnomAD compares: Middle Eastern, 0.81%; 14 homozygotes.

Submissions (2):

Labcorp Genetics (formerly Invitae), Labcorp
Classification: Benign. Last evaluated: 2026-01-14. Review status: criteria provided, single submitter. Criteria: Invitae Variant Classification Sherloc (09022015). Collection method: clinical testing. Allele origin: germline.

CeGaT Center for Human Genetics Tuebingen
Classification: Likely benign. Last evaluated: 2022-10-01. Review status: criteria provided, single submitter. Criteria: CeGaT Center For Human Genetics Tuebingen Variant Classification Criteria Version 2. Collection method: clinical testing. Allele origin: germline. Affected: yes. Observed: 1 variant allele.
Comment: ADAMTS9: BP4, BP7

NM_182920.2(ADAMTS9):c.3102C>T (p.Asp1034=)

Gene: ADAMTS9 (ADAM metallopeptidase with thrombospondin type 1 motif 9; minus strand). Cytogenetic location: 3p14.1.
Variant type: single nucleotide variant.
Coding change: c.3102C>T on transcript NM_182920.2 (MANE Select); coding-DNA position 3102, C replaced by T.
Protein change: p.Asp1034=; no amino-acid change (aspartic acid 1034 retained).
Molecular consequence: synonymous variant.
Genome position (GRCh38, 1-based): chr3:64,615,408, G>A on the plus strand (C>T on the coding strand, the complement: ADAMTS9 is on the minus strand). VCF-style: chr3-64615408-G-A. GRCh37 (hg19) VCF-style: chr3-64601084-G-A.
Other names: c.3018C>T, p.Asp1006= (NM_001318781.2).
Identifiers: ClinVar variation 707887 (VCV000707887.31), dbSNP rs113120327, ClinGen allele CA2480970.